The following is an entry in ClinVar:

ClinVar aggregate classification (germline): Uncertain significance (1 of 4 stars; one submission).

Conditions:
Neuronal ceroid lipofuscinosis 7 (CLN7). Also called: MFSD8-Related Neuronal Ceroid-Lipofuscinosis. Identifiers: Orphanet 168491, Orphanet 228366, MedGen C1838571, MONDO:0012588, OMIM 610951.

Submission:

Labcorp Genetics (formerly Invitae), Labcorp
Classification: Uncertain significance for Neuronal ceroid lipofuscinosis 7. Last evaluated: 2022-03-31. Review status: criteria provided, single submitter. Criteria: Invitae Variant Classification Sherloc (09022015). Collection method: clinical testing. Allele origin: germline.
Comment: This variant has not been reported in the literature in individuals affected with MFSD8-related conditions. In summary, the available evidence is currently insufficient to determine the role of this variant in disease. Therefore, it has been classified as a Variant of Uncertain Significance. Algorithms developed to predict the effect of missense changes on protein structure and function are either unavailable or do not agree on the potential impact of this missense change (SIFT: "Tolerated"; PolyPhen-2: "Possibly Damaging"; Align-GVGD: "Class C0"). This variant is not present in population databases (gnomAD no frequency). This sequence change replaces alanine, which is neutral and non-polar, with threonine, which is neutral and polar, at codon 417 of the MFSD8 protein (p.Ala417Thr).

NM_001371596.2(MFSD8):c.1249G>A (p.Ala417Thr)

Gene: MFSD8 (major facilitator superfamily domain containing 8; minus strand). Cytogenetic location: 4q28.2.
Variant type: single nucleotide variant.
Coding change: c.1249G>A on transcript NM_001371596.2 (MANE Select); coding-DNA position 1249, G replaced by A.
Protein change: p.Ala417Thr; replaces alanine 417 with threonine.
Molecular consequence: missense variant.
Genome position (GRCh38, 1-based): chr4:127,921,625, C>T on the plus strand (G>A on the coding strand, the complement: MFSD8 is on the minus strand). VCF-style: chr4-127921625-C-T. GRCh37 (hg19) VCF-style: chr4-128842780-C-T.
Other names: c.1048G>A, p.Ala350Thr (NM_001363520.3); c.934G>A, p.Ala312Thr (NM_001363521.3); c.1114G>A, p.Ala372Thr (NM_001371590.2); c.1249G>A, p.Ala417Thr (NM_001371591.2, NM_152778.4); c.1255G>A, p.Ala419Thr (NM_001371592.2); c.1135G>A, p.Ala379Thr (NM_001371593.2); c.1102G>A, p.Ala368Thr (NM_001371594.2); c.967G>A, p.Ala323Thr (NM_001371595.1); and 2 more; short protein forms A350T, A372T, A323T, A368T, A417T, A419T, A267T, A312T.
Identifiers: ClinVar variation 2120001 (VCV002120001.4), dbSNP rs2546046636, ClinGen allele CA358171172.
Genomic context (GRCh38, chr4:127,921,625, plus strand): 5'-ACATAAGATTGCAGACTGGATAGCCTAATCCTATTAGCACAGCTGATGTAAGGAACTGGG[C>T]CAGATGAATCACCGGGGTGTAGAGGCACCAGGCTTGTTCAATCGAGCAACCAGTTGGTCT-3'
Protein context (NP_001358525.1, residues 407-427): WCLYTPVIHL[Ala417Thr]QFLTSAVLIG